The following is an entry in ClinVar:

ClinVar aggregate classification (germline): Uncertain significance. Review status: criteria provided, multiple submitters, no conflicts (2 of 4 stars). 2 submissions from 2 submitters: Uncertain significance (2). Last evaluated 2025-06-19.

Conditions:
Inborn genetic diseases. Identifiers: MedGen C0950123, MeSH D030342.

Allele frequency attached by ClinVar (database versions not stated): ExAC 0.00024.

Submissions (2):

Labcorp Genetics (formerly Invitae), Labcorp
Classification: Uncertain significance. Last evaluated: 2025-06-19. Review status: criteria provided, single submitter. Criteria: Invitae Variant Classification Sherloc (09022015). Collection method: clinical testing. Allele origin: germline.
Comment: This sequence change replaces arginine, which is basic and polar, with glutamine, which is neutral and polar, at codon 109 of the TCIRG1 protein (p.Arg109Gln). This variant is present in population databases (rs765686263, gnomAD 0.02%). This variant has not been reported in the literature in individuals affected with TCIRG1-related conditions. ClinVar contains an entry for this variant (Variation ID: 2145372). An algorithm developed to predict the effect of missense changes on protein structure and function (PolyPhen-2) suggests that this variant is likely to be disruptive. In summary, the available evidence is currently insufficient to determine the role of this variant in disease. Therefore, it has been classified as a Variant of Uncertain Significance.

Ambry Genetics
Classification: Uncertain significance for Inborn genetic diseases. Last evaluated: 2023-11-27. Review status: criteria provided, single submitter. Criteria: Ambry Variant Classification Scheme 2023. Collection method: clinical testing. Allele origin: germline.

NM_006019.4(TCIRG1):c.326G>A (p.Arg109Gln)

Gene: TCIRG1 (T cell immune regulator 1, ATPase H+ transporting V0 subunit a3; plus strand). Cytogenetic location: 11q13.2.
Variant type: single nucleotide variant.
Coding change: c.326G>A on transcript NM_006019.4 (MANE Select); coding-DNA position 326, G replaced by A.
Protein change: p.Arg109Gln; replaces arginine 109 with glutamine.
Molecular consequence: missense variant. On other transcripts: 5 prime UTR variant (1).
Genome position (GRCh38, 1-based): chr11:68,042,772, G>A. VCF-style: chr11-68042772-G-A. GRCh37 (hg19) VCF-style: chr11-67810239-G-A.
Other names: c.-924G>A (NM_001351059.2); c.326G>A (NM_006019.3); short protein forms R109Q.
Identifiers: ClinVar variation 2145372 (VCV002145372.4), dbSNP rs765686263, ClinGen allele CA6146697.